The following is an entry in ClinVar:

ClinVar aggregate classification (germline): Uncertain significance (1 of 4 stars; one submission).

Allele frequency attached by ClinVar (database versions not stated): gnomAD exomes below 0.00001; TOPMed below 0.00001.
gnomAD v4.1: 4 of 1,613,952 alleles (0.00025%); highest among the groups gnomAD compares: Admixed American, 0.0033%; no homozygotes.

Submission:

Labcorp Genetics (formerly Invitae), Labcorp
Classification: Uncertain significance. Last evaluated: 2023-11-03. Review status: criteria provided, single submitter. Criteria: Invitae Variant Classification Sherloc (09022015). Collection method: clinical testing. Allele origin: germline.
Comment: This sequence change replaces serine, which is neutral and polar, with proline, which is neutral and non-polar, at codon 212 of the EFTUD2 protein (p.Ser212Pro). This variant is present in population databases (no rsID available, gnomAD 0.006%). This variant has not been reported in the literature in individuals affected with EFTUD2-related conditions. Advanced modeling of protein sequence and biophysical properties (such as structural, functional, and spatial information, amino acid conservation, physicochemical variation, residue mobility, and thermodynamic stability) performed at Invitae indicates that this missense variant is expected to disrupt EFTUD2 protein function with a positive predictive value of 80%. In summary, the available evidence is currently insufficient to determine the role of this variant in disease. Therefore, it has been classified as a Variant of Uncertain Significance.

NM_004247.4(EFTUD2):c.634T>C (p.Ser212Pro)

Gene: EFTUD2 (elongation factor Tu GTP binding domain containing 2; minus strand). Cytogenetic location: 17q21.31.
Variant type: single nucleotide variant.
Coding change: c.634T>C on transcript NM_004247.4 (MANE Select); coding-DNA position 634, T replaced by C.
Protein change: p.Ser212Pro; replaces serine 212 with proline.
Molecular consequence: missense variant.
Genome position (GRCh38, 1-based): chr17:44,879,624, A>G on the plus strand (T>C on the coding strand, the complement: EFTUD2 is on the minus strand). VCF-style: chr17-44879624-A-G. GRCh37 (hg19) VCF-style: chr17-42956992-A-G.
Other names: c.604T>C, p.Ser202Pro (NM_001258354.2); c.529T>C, p.Ser177Pro (NM_001142605.2); c.634T>C, p.Ser212Pro (NM_001258353.2); short protein forms S177P, S202P, S212P.
Identifiers: ClinVar variation 2723145 (VCV002723145.3), dbSNP rs1417067254, ClinGen allele CA399822161.
Genomic context (GRCh38, chr17:44,879,624, plus strand): 5'-CAGCATCAATGAAAAGGACCACTCCATCTGAGATGCGCAAGCCAGCTGTGACCTCATCAG[A>G]GAAATTCACATGTCCTGAAAAGCAAATACTAAGTAAGTCATCACTTGGTGCAGGATAAAG-3'
Protein context (NP_004238.3, residues 202-222): IMDTPGHVNF[Ser212Pro]DEVTAGLRIS